The following is an entry in ClinVar:

NM_015139.3(SLC35D1):c.712A>G (p.Thr238Ala)

Gene: SLC35D1 (solute carrier family 35 member D1; minus strand). Cytogenetic location: 1p31.3.
Variant type: single nucleotide variant.
Coding change: c.712A>G on transcript NM_015139.3 (MANE Select); coding-DNA position 712, A replaced by G.
Protein change: p.Thr238Ala; replaces threonine 238 with alanine.
Molecular consequence: missense variant.
Genome position (GRCh38, 1-based): chr1:67,042,253, T>C on the plus strand (A>G on the coding strand, the complement: SLC35D1 is on the minus strand). VCF-style: chr1-67042253-T-C. GRCh37 (hg19) VCF-style: chr1-67507936-T-C.
Other names: short protein forms T238A.
Identifiers: ClinVar variation 856165 (VCV000856165.8), dbSNP rs200496218, ClinGen allele CA898921.

ClinVar aggregate classification (germline): Uncertain significance. Review status: criteria provided, multiple submitters, no conflicts (2 of 4 stars). 2 submissions from 2 submitters: Uncertain significance (2). Last evaluated 2024-12-22.

Conditions:
Schneckenbecken dysplasia. Identifiers: Orphanet 3144, MedGen C0432194, MONDO:0010013, OMIM 269250.
Inborn genetic diseases. Identifiers: MedGen C0950123, MeSH D030342.

Allele frequency attached by ClinVar (database versions not stated): gnomAD 0.00004; gnomAD exomes 0.00004 and 0.00010; TOPMed 0.00005; ExAC 0.00009; 1000 Genomes Project 30x 0.00016; 1000 Genomes Project 0.00020.
gnomAD v4.1: 70 of 1,614,114 alleles (0.0043%); highest among the groups gnomAD compares: Admixed American, 0.032%; no homozygotes.

Submissions (2):

Ambry Genetics
Classification: Uncertain significance for Inborn genetic diseases. Last evaluated: 2024-12-22. Review status: criteria provided, single submitter. Criteria: Ambry Variant Classification Scheme 2023. Collection method: clinical testing. Allele origin: germline.

Labcorp Genetics (formerly Invitae), Labcorp
Classification: Uncertain significance for Schneckenbecken dysplasia. Last evaluated: 2023-08-04. Review status: criteria provided, single submitter. Criteria: Invitae Variant Classification Sherloc (09022015). Collection method: clinical testing. Allele origin: germline.
Comment: In summary, the available evidence is currently insufficient to determine the role of this variant in disease. Therefore, it has been classified as a Variant of Uncertain Significance. Advanced modeling of protein sequence and biophysical properties (such as structural, functional, and spatial information, amino acid conservation, physicochemical variation, residue mobility, and thermodynamic stability) performed at Invitae indicates that this missense variant is not expected to disrupt SLC35D1 protein function. ClinVar contains an entry for this variant (Variation ID: 856165). This variant has not been reported in the literature in individuals affected with SLC35D1-related conditions. This variant is present in population databases (rs200496218, gnomAD 0.05%). This sequence change replaces threonine, which is neutral and polar, with alanine, which is neutral and non-polar, at codon 238 of the SLC35D1 protein (p.Thr238Ala).